The following is an entry in ClinVar:

ClinVar aggregate classification (germline): Uncertain significance. Review status: criteria provided, multiple submitters, no conflicts (2 of 4 stars). 2 submissions from 2 submitters: Uncertain significance (2). Last evaluated 2025-02-06.

Conditions:
Cardiovascular phenotype. Identifiers: MedGen CN230736.
Brugada syndrome 8 (BRGDA8). Identifiers: Orphanet 130, MedGen C2751083, MONDO:0013148, OMIM 613123.

Allele frequency attached by ClinVar (database versions not stated): gnomAD 0.00001; gnomAD exomes 0.00001 and 0.00004; TOPMed 0.00001; ExAC 0.00014.
gnomAD v4.1: 14 of 1,480,930 alleles (0.00095%); highest among the groups gnomAD compares: East Asian, 0.0058%; no homozygotes.

Submissions (2):

Ambry Genetics
Classification: Uncertain significance for Cardiovascular phenotype. Last evaluated: 2025-02-06. Review status: criteria provided, single submitter. Criteria: Ambry Variant Classification Scheme 2023. Collection method: clinical testing. Allele origin: germline.
Comment: The p.S70L variant (also known as c.209C>T), located in coding exon 1 of the HCN4 gene, results from a C to T substitution at nucleotide position 209. The serine at codon 70 is replaced by leucine, an amino acid with dissimilar properties. This amino acid position is poorly conserved in available vertebrate species. In addition, this alteration is predicted to be tolerated by in silico analysis. Based on the available evidence, the clinical significance of this variant remains unclear.

Labcorp Genetics (formerly Invitae), Labcorp
Classification: Uncertain significance for Brugada syndrome 8. Last evaluated: 2024-01-08. Review status: criteria provided, single submitter. Criteria: Invitae Variant Classification Sherloc (09022015). Collection method: clinical testing. Allele origin: germline.
Comment: This sequence change replaces serine, which is neutral and polar, with leucine, which is neutral and non-polar, at codon 70 of the HCN4 protein (p.Ser70Leu). The frequency data for this variant in the population databases is considered unreliable, as metrics indicate poor data quality at this position in the gnomAD database. This variant has not been reported in the literature in individuals affected with HCN4-related conditions. ClinVar contains an entry for this variant (Variation ID: 470653). Advanced modeling of protein sequence and biophysical properties (such as structural, functional, and spatial information, amino acid conservation, physicochemical variation, residue mobility, and thermodynamic stability) performed at Invitae indicates that this missense variant is not expected to disrupt HCN4 protein function with a negative predictive value of 95%. In summary, the available evidence is currently insufficient to determine the role of this variant in disease. Therefore, it has been classified as a Variant of Uncertain Significance.

NM_005477.3(HCN4):c.209C>T (p.Ser70Leu)

Gene: HCN4 (hyperpolarization activated cyclic nucleotide gated potassium channel 4; minus strand). Cytogenetic location: 15q24.1.
Variant type: single nucleotide variant.
Coding change: c.209C>T on transcript NM_005477.3 (MANE Select); coding-DNA position 209, C replaced by T.
Protein change: p.Ser70Leu; replaces serine 70 with leucine.
Molecular consequence: missense variant.
Genome position (GRCh38, 1-based): chr15:73,368,062, G>A on the plus strand (C>T on the coding strand, the complement: HCN4 is on the minus strand). VCF-style: chr15-73368062-G-A. GRCh37 (hg19) VCF-style: chr15-73660403-G-A.
Other names: short protein forms S70L.
Identifiers: ClinVar variation 470653 (VCV000470653.9), dbSNP rs771533338, ClinGen allele CA7649495.